The following is an entry in ClinVar:

NM_177972.3(TUB):c.264C>T (p.Ala88=)

Genes: RIC3 (RIC3 acetylcholine receptor chaperone; minus strand), TUB (TUB bipartite transcription factor; plus strand). Cytogenetic location: 11p15.4.
Variant type: single nucleotide variant.
Coding change: c.264C>T on transcript NM_177972.3 (MANE Select); coding-DNA position 264, C replaced by T.
Protein change: p.Ala88=; no amino-acid change (alanine 88 retained).
Molecular consequence: synonymous variant. On other transcripts: non-coding transcript variant (1).
Genome position (GRCh38, 1-based): chr11:8,094,056, C>T. VCF-style: chr11-8094056-C-T. GRCh37 (hg19) VCF-style: chr11-8115603-C-T.
Other names: c.429C>T, p.Ala143= (NM_003320.5); c.429C>T (NM_003320.4).
Identifiers: ClinVar variation 1961399 (VCV001961399.6), dbSNP rs1335020026, ClinGen allele CA473009144.

ClinVar aggregate classification (germline): Likely benign. Review status: criteria provided, single submitter (1 of 4 stars). 2 submissions from 2 submitters: Likely benign (1). 1 of the submissions does not count toward it. Last evaluated 2023-07-17.

Conditions:
TUB-related disorder. Also called: TUB-related condition.

Allele frequency attached by ClinVar (database versions not stated): gnomAD exomes below 0.00001; TOPMed below 0.00001.
gnomAD v4.1: 7 of 1,614,136 alleles (0.00043%); highest among the groups gnomAD compares: East Asian, 0.0045%; no homozygotes.

Submissions (2):

Labcorp Genetics (formerly Invitae), Labcorp
Classification: Likely benign. Last evaluated: 2023-07-17. Review status: criteria provided, single submitter. Criteria: Invitae Variant Classification Sherloc (09022015). Collection method: clinical testing. Allele origin: germline.

PreventionGenetics, part of Exact Sciences
Classification: Likely benign for TUB-related condition. Last evaluated: 2024-04-09. Review status: no assertion criteria provided. Collection method: clinical testing. Allele origin: germline. Not counted in ClinVar's aggregate classification.
Comment: This variant is classified as likely benign based on ACMG/AMP sequence variant interpretation guidelines (Richards et al. 2015 PMID: 25741868, with internal and published modifications).